The following is an entry in ClinVar:

ClinVar aggregate classification (germline): Uncertain significance. Review status: criteria provided, multiple submitters, no conflicts (2 of 4 stars). 3 submissions from 3 submitters: Uncertain significance (3). Last evaluated 2023-08-04.

Conditions:
Inborn genetic diseases. Identifiers: MedGen C0950123, MeSH D030342.
Intellectual developmental disorder, X-linked 19. Also called: Intellectual disability, X-linked 19. Identifiers: Orphanet 777, MedGen C0796225, MONDO:0010447, OMIM 300844.
Coffin-Lowry syndrome (CLS). Also called: COFFIN-LOWRY SYNDROME, MILD; Mental retardation with osteocartilaginous abnormalities. Identifiers: Orphanet 192, MedGen C0265252, MONDO:0010561, OMIM 303600.

Allele frequency attached by ClinVar (database versions not stated): gnomAD exomes below 0.00001.
gnomAD v4.1: 1 of 1,200,425 alleles (0.000083%); highest among the groups gnomAD compares: Admixed American, 0.0022%; no homozygotes.

Submissions (3):

Labcorp Genetics (formerly Invitae), Labcorp
Classification: Uncertain significance for Coffin-Lowry syndrome; Intellectual developmental disorder, X-linked 19. Last evaluated: 2023-08-04. Review status: criteria provided, single submitter. Criteria: Invitae Variant Classification Sherloc (09022015). Collection method: clinical testing. Allele origin: germline.
Comment: In summary, the available evidence is currently insufficient to determine the role of this variant in disease. Therefore, it has been classified as a Variant of Uncertain Significance. Advanced modeling of protein sequence and biophysical properties (such as structural, functional, and spatial information, amino acid conservation, physicochemical variation, residue mobility, and thermodynamic stability) performed at Invitae indicates that this missense variant is not expected to disrupt RPS6KA3 protein function. ClinVar contains an entry for this variant (Variation ID: 1348599). This variant has not been reported in the literature in individuals affected with RPS6KA3-related conditions. This variant is not present in population databases (gnomAD no frequency). This sequence change replaces glutamic acid, which is acidic and polar, with aspartic acid, which is acidic and polar, at codon 423 of the RPS6KA3 protein (p.Glu423Asp).

DECIPHERD-UDD, Universidad del Desarrollo
Classification: Uncertain significance for Intellectual developmental disorder, X-linked 19; Coffin-Lowry syndrome. Last evaluated: 2023-07-01. Review status: criteria provided, single submitter. Criteria: ACMG Guidelines, 2015. Collection method: research. Allele origin: maternal. Affected: yes.

Ambry Genetics
Classification: Uncertain significance for Inborn genetic diseases. Last evaluated: 2021-09-17. Review status: criteria provided, single submitter. Criteria: Ambry Variant Classification Scheme 2023. Collection method: clinical testing. Allele origin: germline.

Literature cited by the submitters: PubMed 38177409 (cited by DECIPHERD-UDD, Universidad del Desarrollo).

NM_004586.3(RPS6KA3):c.1269A>T (p.Glu423Asp)

Gene: RPS6KA3 (ribosomal protein S6 kinase A3; minus strand). Cytogenetic location: Xp22.12.
Variant type: single nucleotide variant.
Coding change: c.1269A>T on transcript NM_004586.3 (MANE Select); coding-DNA position 1269, A replaced by T.
Protein change: p.Glu423Asp; replaces glutamic acid 423 with aspartic acid.
Molecular consequence: missense variant.
Genome position (GRCh38, 1-based): chrX:20,172,830, T>A on the plus strand (A>T on the coding strand, the complement: RPS6KA3 is on the minus strand). VCF-style: chrX-20172830-T-A. GRCh37 (hg19) VCF-style: chrX-20190948-T-A.
Other names: c.1269A>T (NM_004586.2); short protein forms E423D.
Identifiers: ClinVar variation 1348599 (VCV001348599.7), dbSNP rs2067605278, ClinGen allele CA412516450.
Genomic context (GRCh38, chrX:20,172,830, plus strand): 5'-AGCTTTATGTATACATCTCTTGCAAACAGAGTAGGAGCCAACTCCAATATCTTCTTTTAC[T>A]TCATATCCATCAGTAAACTGAATACTGTTCCTGTGTAACTGCTACAAAAAATTATAAATT-3'
Protein context (NP_004577.1, residues 413-433): RNSIQFTDGY[Glu423Asp]VKEDIGVGSY